The following is an entry in ClinVar:

ClinVar aggregate classification (germline): Uncertain significance (1 of 4 stars; one submission).

Conditions:
Menkes kinky-hair syndrome (MNK). Also called: Menkes Disease; Copper transport disease; Classic Menkes Disease. Identifiers: Orphanet 565, MedGen C0022716, MONDO:0010651, OMIM 309400.
Cutis laxa, X-linked (OHS). Also called: EDS IX; Occipital horn syndrome. Identifiers: Orphanet 198, MedGen C0268353, MONDO:0010572, OMIM 304150.
X-linked distal spinal muscular atrophy type 3. Also called: ATP7A-Related Distal Motor Neuropathy; SPINAL MUSCULAR ATROPHY, DISTAL, X-LINKED RECESSIVE; NEURONOPATHY, DISTAL HEREDITARY MOTOR, X-LINKED; NEUROPATHY, DISTAL HEREDITARY MOTOR, X-LINKED. Identifiers: Orphanet 139557, MedGen C1845359, MONDO:0010338, OMIM 300489.

gnomAD v4.1: 3 of 1,207,119 alleles (0.00025%); highest among the groups gnomAD compares: Non-Finnish European, 0.00034%; no homozygotes.

Submission:

Labcorp Genetics (formerly Invitae), Labcorp
Classification: Uncertain significance for X-linked distal spinal muscular atrophy type 3; Cutis laxa, X-linked; Menkes kinky-hair syndrome. Last evaluated: 2025-06-09. Review status: criteria provided, single submitter. Criteria: Invitae Variant Classification Sherloc (09022015). Collection method: clinical testing. Allele origin: germline.
Comment: This sequence change falls in intron 19 of the ATP7A gene. It does not directly change the encoded amino acid sequence of the ATP7A protein. It affects a nucleotide within the consensus splice site. This variant is not present in population databases (gnomAD no frequency). This variant has not been reported in the literature in individuals affected with ATP7A-related conditions. Variants that disrupt the consensus splice site are a relatively common cause of aberrant splicing (PMID: 17576681, 9536098). Algorithms developed to predict the effect of sequence changes on RNA splicing suggest that this variant may disrupt the consensus splice site. In summary, the available evidence is currently insufficient to determine the role of this variant in disease. Therefore, it has been classified as a Variant of Uncertain Significance.

Literature cited by the submitters: PubMed 17576681; PubMed 9536098.

NM_000052.7(ATP7A):c.3801+4A>T

Gene: ATP7A (ATPase copper transporting alpha; plus strand). Cytogenetic location: Xq21.1.
Variant type: single nucleotide variant.
Coding change: c.3801+4A>T on transcript NM_000052.7 (MANE Select); 4 bases into the intron after coding-DNA position 3801, A replaced by T.
Molecular consequence: intron variant.
Genome position (GRCh38, 1-based): chrX:78,040,737, A>T. VCF-style: chrX-78040737-A-T. GRCh37 (hg19) VCF-style: chrX-77296235-A-T.
Other names: c.3567+4A>T (NM_001282224.2).
Identifiers: ClinVar variation 4789899 (VCV004789899.1).